The following is an entry in ClinVar:

NM_174936.4(PCSK9):c.1436C>T (p.Pro479Leu)

Gene: PCSK9 (proprotein convertase subtilisin/kexin type 9; plus strand). Cytogenetic location: 1p32.3.
Variant type: single nucleotide variant.
Coding change: c.1436C>T on transcript NM_174936.4 (MANE Select); coding-DNA position 1436, C replaced by T.
Protein change: p.Pro479Leu; replaces proline 479 with leucine.
Molecular consequence: missense variant.
Genome position (GRCh38, 1-based): chr1:55,058,580, C>T. VCF-style: chr1-55058580-C-T. GRCh37 (hg19) VCF-style: chr1-55524253-C-T.
Other names: c.1559C>T, p.Pro520Leu (NM_001407240.1); c.1436C>T, p.Pro479Leu (NM_001407241.1); c.1439C>T, p.Pro480Leu (NM_001407242.1); c.1379C>T, p.Pro460Leu (NM_001407243.1); c.1262C>T, p.Pro421Leu (NM_001407244.1); c.1244C>T, p.Pro415Leu (NM_001407245.1); c.1061C>T, p.Pro354Leu (NM_001407246.1); short protein forms P479L, P354L, P421L, P460L, P480L, P415L, P520L.
Identifiers: ClinVar variation 1339302 (VCV001339302.4), dbSNP rs2100326132, ClinGen allele CA340478998.

ClinVar aggregate classification (germline): Uncertain significance. Review status: criteria provided, multiple submitters, no conflicts (2 of 4 stars). 2 submissions from 2 submitters: Uncertain significance (2). Last evaluated 2023-03-16.

Conditions:
Cardiovascular phenotype. Identifiers: MedGen CN230736.

Submissions (2):

Ambry Genetics
Classification: Uncertain significance for Cardiovascular phenotype. Last evaluated: 2023-03-16. Review status: criteria provided, single submitter. Criteria: Ambry Variant Classification Scheme 2023. Collection method: clinical testing. Allele origin: germline.
Comment: The p.P479L variant (also known as c.1436C>T), located in coding exon 9 of the PCSK9 gene, results from a C to T substitution at nucleotide position 1436. The proline at codon 479 is replaced by leucine, an amino acid with similar properties. This amino acid position is conserved. In addition, this alteration is predicted to be tolerated by in silico analysis. Since supporting evidence is limited at this time, the clinical significance of this alteration remains unclear.

Phosphorus, Inc.
Classification: Uncertain significance. Last evaluated: 2022-01-13. Review status: criteria provided, single submitter. Criteria: ACMG Guidelines, 2015. Collection method: clinical testing. Allele origin: germline. Inheritance: Autosomal dominant inheritance.
Comment: This missense variant results in an amino acid substitution of proline with leucine at codon 479 of the PCSK9 gene (NM_174936.3). The variant has no entry in ClinVar and has not occurred in population databases. This position is not conserved. In silico functional algorithms agreed, with PolyPhen calling it benign, and SIFT tolerated, but no functional studies were performed to confirm this prediction. The variant has not occurred in literature associated with disease. Considering that this is a rare variant, whose impact on the protein and association with disease are unknown, it has been classified as a Variant of Uncertain Significance.